The following is an entry in ClinVar:

NM_000257.4(MYH7):c.2761_2763del (p.Glu921del)

Gene: MYH7 (myosin heavy chain 7; minus strand). Cytogenetic location: 14q11.2.
Variant type: Deletion.
Coding change: c.2761_2763del on transcript NM_000257.4 (MANE Select); coding-DNA positions 2761 to 2763, 3 bases deleted (GAG; older notation c.2761_2763delGAG).
Protein change: p.Glu921del; deletes glutamic acid 921.
Molecular consequence: inframe deletion.
Genome position (GRCh38, 1-based): chr14:23,424,066-23,424,068, CTC deleted on the plus strand (GAG on the coding strand, the reverse complement: MYH7 is on the minus strand); deleting any 3 consecutive bases within chr14:23,424,066-23,424,070 gives the same sequence; the c. name uses the placement nearest the transcript's 3' end. VCF-style (leftmost placement, unchanged base first): chr14-23424065-TCTC-T. GRCh37 (hg19) VCF-style: chr14-23893274-TCTC-T.
Other names: short protein forms E921del.
Identifiers: ClinVar variation 807094 (VCV000807094.45), dbSNP rs1595081779, ClinGen allele CA915946998.

ClinVar aggregate classification (germline): Conflicting classifications of pathogenicity. Review status: criteria provided, conflicting classifications (1 of 4 stars). 2 submissions from 2 submitters: Likely pathogenic (1); Uncertain significance (1). Last evaluated 2025-08-28.

Conditions:
Hypertrophic cardiomyopathy. Also called: HYPERTROPHIC MYOCARDIOPATHY. Identifiers: Orphanet 217569, MedGen C0007194, MeSH D002312, MONDO:0005045, HP:0001639.

Submissions (2):

Labcorp Genetics (formerly Invitae), Labcorp
Classification: Uncertain significance for Hypertrophic cardiomyopathy. Last evaluated: 2025-08-28. Review status: criteria provided, single submitter. Criteria: Invitae Variant Classification Sherloc (09022015). Collection method: clinical testing. Allele origin: germline.
Comment: This variant, c.2761_2763del, results in the deletion of 1 amino acid(s) of the MYH7 protein (p.Glu921del), but otherwise preserves the integrity of the reading frame. This variant is not present in population databases (gnomAD no frequency). This variant has been observed in individual(s) with hypertrophic cardiomyopathy (PMID: 29398688). ClinVar contains an entry for this variant (Variation ID: 807094). Experimental studies and prediction algorithms are not available or were not evaluated, and the functional significance of this variant is currently unknown. In summary, the available evidence is currently insufficient to determine the role of this variant in disease. Therefore, it has been classified as a Variant of Uncertain Significance.

CeGaT Center for Human Genetics Tuebingen
Classification: Likely pathogenic. Last evaluated: 2019-06-01. Review status: criteria provided, single submitter. Criteria: CeGaT Center For Human Genetics Tuebingen Variant Classification Criteria Version 2. Collection method: clinical testing. Allele origin: germline. Affected: yes. Observed: 4 variant alleles.

Literature cited by the submitters: PubMed 29398688 (cited by Labcorp Genetics (formerly Invitae), Labcorp).